The following is an entry in ClinVar:

ClinVar aggregate classification (germline): Conflicting classifications of pathogenicity. Review status: criteria provided, conflicting classifications (1 of 4 stars). 2 submissions from 2 submitters: Uncertain significance (1); Likely benign (1). Last evaluated 2025-03-14.

Conditions:
Hereditary cancer-predisposing syndrome. Also called: Neoplastic Syndromes, Hereditary; Hereditary Cancer Syndrome; Hereditary neoplastic syndrome; Tumor predisposition. Identifiers: Orphanet 140162, MedGen C0027672, MeSH D009386, MONDO:0015356.
Gastrointestinal stromal tumor. Also called: Gastrointestinal stromal tumor, somatic; Gastrointestinal stroma tumor. Identifiers: Orphanet 44890, MedGen C0238198, MeSH D046152, MONDO:0011719, OMIM 606764, HP:0100723.

Allele frequency attached by ClinVar (database versions not stated): gnomAD exomes 0.00002.
gnomAD v4.1: 23 of 1,614,104 alleles (0.0014%); highest among the groups gnomAD compares: Non-Finnish European, 0.0019%; no homozygotes.

Submissions (2):

Labcorp Genetics (formerly Invitae), Labcorp
Classification: Uncertain significance for Gastrointestinal stromal tumor. Last evaluated: 2025-03-14. Review status: criteria provided, single submitter. Criteria: Invitae Variant Classification Sherloc (09022015). Collection method: clinical testing. Allele origin: germline.
Comment: This sequence change replaces aspartic acid, which is acidic and polar, with valine, which is neutral and non-polar, at codon 444 of the PDGFRA protein (p.Asp444Val). This variant is not present in population databases (gnomAD no frequency). This variant has not been reported in the literature in individuals affected with PDGFRA-related conditions. ClinVar contains an entry for this variant (Variation ID: 1009933). Invitae Evidence Modeling of protein sequence and biophysical properties (such as structural, functional, and spatial information, amino acid conservation, physicochemical variation, residue mobility, and thermodynamic stability) indicates that this missense variant is not expected to disrupt PDGFRA protein function with a negative predictive value of 80%. In summary, the available evidence is currently insufficient to determine the role of this variant in disease. Therefore, it has been classified as a Variant of Uncertain Significance.

Ambry Genetics
Classification: Likely benign for Hereditary cancer-predisposing syndrome. Last evaluated: 2025-01-14. Review status: criteria provided, single submitter. Criteria: Ambry Variant Classification Scheme 2023. Collection method: clinical testing. Allele origin: germline.

NM_006206.6(PDGFRA):c.1331A>T (p.Asp444Val)

Gene: PDGFRA (platelet derived growth factor receptor alpha; plus strand). Cytogenetic location: 4q12.
Variant type: single nucleotide variant.
Coding change: c.1331A>T on transcript NM_006206.6 (MANE Select); coding-DNA position 1331, A replaced by T.
Protein change: p.Asp444Val; replaces aspartic acid 444 with valine.
Molecular consequence: missense variant.
Genome position (GRCh38, 1-based): chr4:54,272,487, A>T. VCF-style: chr4-54272487-A-T. GRCh37 (hg19) VCF-style: chr4-55138654-A-T.
Other names: c.1331A>T (NM_006206.4); c.1331A>T, p.Asp444Val (NM_001347827.2, NM_001347829.2); c.1406A>T, p.Asp469Val (NM_001347828.2); c.1370A>T, p.Asp457Val (NM_001347830.2); short protein forms D444V, D457V, D469V.
Identifiers: ClinVar variation 1009933 (VCV001009933.9), dbSNP rs1723460138, ClinGen allele CA356892319.